The following is an entry in ClinVar:

ClinVar aggregate classification (germline): Uncertain significance (1 of 4 stars; one submission).

Conditions:
Surfactant metabolism dysfunction, pulmonary, 4 (SMDP4). Also called: PULMONARY ALVEOLAR PROTEINOSIS, CONGENITAL, 4; PAP DUE TO CSF2RA DEFICIENCY; CSF2RA DEFICIENCY. Identifiers: Orphanet 264675, MedGen C2677877, MONDO:0010424, OMIM 300770.

Allele frequency attached by ClinVar (database versions not stated): gnomAD 0.00006; TOPMed 0.00009; ExAC 0.00013; gnomAD exomes 0.00013 and 0.00018; 1000 Genomes Project 30x 0.00021; 1000 Genomes Project 0.00026.
gnomAD v4.1: 280 of 1,613,816 alleles (0.017%); highest among the groups gnomAD compares: Non-Finnish European, 0.023%; no homozygotes.

Submission:

Labcorp Genetics (formerly Invitae), Labcorp
Classification: Uncertain significance for Surfactant metabolism dysfunction, pulmonary, 4. Last evaluated: 2022-08-19. Review status: criteria provided, single submitter. Criteria: Invitae Variant Classification Sherloc (09022015). Collection method: clinical testing. Allele origin: germline.
Comment: This sequence change replaces leucine, which is neutral and non-polar, with valine, which is neutral and non-polar, at codon 209 of the CSF2RA protein (p.Leu209Val). This variant is present in population databases (no rsID available, gnomAD 0.02%). This variant has not been reported in the literature in individuals affected with CSF2RA-related conditions. ClinVar contains an entry for this variant (Variation ID: 939982). Algorithms developed to predict the effect of missense changes on protein structure and function output the following: SIFT: "Tolerated"; PolyPhen-2: "Not Available"; Align-GVGD: "Class C0". The valine amino acid residue is found in multiple mammalian species, which suggests that this missense change does not adversely affect protein function. Algorithms developed to predict the effect of sequence changes on RNA splicing suggest that this variant may create or strengthen a splice site. In summary, the available evidence is currently insufficient to determine the role of this variant in disease. Therefore, it has been classified as a Variant of Uncertain Significance.

NM_172245.4(CSF2RA):c.625C>G (p.Leu209Val)

Gene: CSF2RA (colony stimulating factor 2 receptor subunit alpha; plus strand). Cytogenetic location: Xp22.33.
Variant type: single nucleotide variant.
Coding change: c.625C>G on transcript NM_172245.4 (MANE Select); coding-DNA position 625, C replaced by G.
Protein change: p.Leu209Val; replaces leucine 209 with valine.
Molecular consequence: missense variant. On other transcripts: non-coding transcript variant (1).
Genome position (GRCh38, 1-based): chrX:1,290,488, C>G. VCF-style: chrX-1290488-C-G. GRCh37 (hg19) VCF-style: chrX-1409381-C-G.
Other names: c.625C>G, p.Leu209Val (NM_001161529.2, NM_001161530.2, NM_001161531.2 and 20 more transcripts); c.226C>G, p.Leu76Val (NM_001161532.2); short protein forms L76V, L209V.
Identifiers: ClinVar variation 939982 (VCV000939982.7), dbSNP rs201554870, ClinGen allele CA10330881.
Genomic context (GRCh38, chrX:1,290,488, plus strand): 5'-CGCAATTACTTTCTGGTTAACGGAACCAGCCGAGAAATTGGCATCCAATTCTTTGATTCA[C>G]TTTTGGACACAAAGAAAATAGGTGAGAATAACACATATGATTTTCCTATTGTTTATAGGT-3'
Protein context (NP_758448.1, residues 199-219): REIGIQFFDS[Leu209Val]LDTKKIERFN